The following is an entry in ClinVar:

ClinVar aggregate classification (germline): Uncertain significance (1 of 4 stars; one submission).

Submission:

Ambry Genetics
Classification: Uncertain significance. Last evaluated: 2025-05-27. Review status: criteria provided, single submitter. Criteria: Ambry Variant Classification Scheme 2023. Collection method: clinical testing. Allele origin: germline.
Comment: The p.Q947E variant (also known as c.2839C>G), located in coding exon 1 of the TET2 gene, results from a C to G substitution at nucleotide position 2839. The glutamine at codon 947 is replaced by glutamic acid, an amino acid with highly similar properties. This amino acid position is conserved. In addition, this alteration is predicted to be tolerated by in silico analysis. Based on the available evidence, the clinical significance of this variant remains unclear.

NM_001127208.3(TET2):c.2839C>G (p.Gln947Glu)

Genes: TET2 (tet methylcytosine dioxygenase 2; plus strand), TET2-AS1 (TET2 antisense RNA 1; minus strand). Cytogenetic location: 4q24.
Variant type: single nucleotide variant.
Coding change: c.2839C>G on transcript NM_001127208.3 (MANE Select); coding-DNA position 2839, C replaced by G.
Protein change: p.Gln947Glu; replaces glutamine 947 with glutamic acid.
Molecular consequence: missense variant.
Genome position (GRCh38, 1-based): chr4:105,236,781, C>G. VCF-style: chr4-105236781-C-G. GRCh37 (hg19) VCF-style: chr4-106157938-C-G.
Other names: c.2839C>G, p.Gln947Glu (NM_017628.4); short protein forms Q947E.
Identifiers: ClinVar variation 3967670 (VCV003967670.1).